The following is an entry in ClinVar:

NM_001252024.2(TRPM1):c.4277C>T (p.Thr1426Met)

Gene: TRPM1 (transient receptor potential cation channel subfamily M member 1; minus strand). Cytogenetic location: 15q13.3.
Variant type: single nucleotide variant.
Coding change: c.4277C>T on transcript NM_001252024.2 (MANE Select); coding-DNA position 4277, C replaced by T.
Protein change: p.Thr1426Met; replaces threonine 1426 with methionine.
Molecular consequence: missense variant.
Genome position (GRCh38, 1-based): chr15:31,002,423, G>A on the plus strand (C>T on the coding strand, the complement: TRPM1 is on the minus strand). VCF-style: chr15-31002423-G-A. GRCh37 (hg19) VCF-style: chr15-31294626-G-A.
Other names: c.4211C>T (NM_002420.4); c.4328C>T (NM_001252020.1); c.4328C>T, p.Thr1443Met (NM_001252020.2); c.4211C>T, p.Thr1404Met (NM_002420.6); short protein forms T1426M, T1443M, T1404M.
Identifiers: ClinVar variation 850729 (VCV000850729.11), dbSNP rs766135610, ClinGen allele CA7451675.

ClinVar aggregate classification (germline): Uncertain significance. Review status: criteria provided, multiple submitters, no conflicts (2 of 4 stars). 3 submissions from 3 submitters: Uncertain significance (3). Last evaluated 2025-08-21.

Conditions:
Inborn genetic diseases. Identifiers: MedGen C0950123, MeSH D030342.
TRPM1-related disorder. Also called: TRPM1-related condition.

Allele frequency attached by ClinVar (database versions not stated): gnomAD exomes 0.00001 and 0.00003; ExAC 0.00005; TOPMed 0.00006; gnomAD 0.00008 and 0.00009.
gnomAD v4.1: 29 of 1,614,178 alleles (0.0018%); highest among the groups gnomAD compares: African/African-American, 0.021%; no homozygotes.

Submissions (3):

Labcorp Genetics (formerly Invitae), Labcorp
Classification: Uncertain significance. Last evaluated: 2025-08-21. Review status: criteria provided, single submitter. Criteria: Invitae Variant Classification Sherloc (09022015). Collection method: clinical testing. Allele origin: germline.
Comment: This sequence change replaces threonine, which is neutral and polar, with methionine, which is neutral and non-polar, at codon 1404 of the TRPM1 protein (p.Thr1404Met). This variant is present in population databases (rs766135610, gnomAD 0.02%). This variant has not been reported in the literature in individuals affected with TRPM1-related conditions. ClinVar contains an entry for this variant (Variation ID: 850729). Invitae Evidence Modeling of protein sequence and biophysical properties (such as structural, functional, and spatial information, amino acid conservation, physicochemical variation, residue mobility, and thermodynamic stability) indicates that this missense variant is not expected to disrupt TRPM1 protein function with a negative predictive value of 95%. In summary, the available evidence is currently insufficient to determine the role of this variant in disease. Therefore, it has been classified as a Variant of Uncertain Significance.

Ambry Genetics
Classification: Uncertain significance for Inborn genetic diseases. Last evaluated: 2025-02-07. Review status: criteria provided, single submitter. Criteria: Ambry Variant Classification Scheme 2023. Collection method: clinical testing. Allele origin: germline.

PreventionGenetics, part of Exact Sciences
Classification: Uncertain significance for TRPM1-related condition. Last evaluated: 2024-10-18. Review status: criteria provided, single submitter. Criteria: ACMG Guidelines, 2015. Collection method: clinical testing. Allele origin: germline.
Comment: The TRPM1 c.4328C>T variant is predicted to result in the amino acid substitution p.Thr1443Met. To our knowledge, this variant has not been reported in the literature. This variant is reported in 0.021% of alleles in individuals of African descent in gnomAD. At this time, the clinical significance of this variant is uncertain due to the absence of conclusive functional and genetic evidence.